The following is an entry in ClinVar:

NM_000719.7(CACNA1C):c.4313G>C (p.Ser1438Thr)

Gene: CACNA1C (calcium voltage-gated channel subunit alpha1 C; plus strand). Cytogenetic location: 12p13.33.
Variant type: single nucleotide variant.
Coding change: c.4313G>C on transcript NM_000719.7 (MANE Select); coding-DNA position 4313, G replaced by C.
Protein change: p.Ser1438Thr; replaces serine 1438 with threonine.
Molecular consequence: missense variant.
Genome position (GRCh38, 1-based): chr12:2,664,905, G>C. VCF-style: chr12-2664905-G-C. GRCh37 (hg19) VCF-style: chr12-2774071-G-C.
Other names: c.4457G>C, p.Ser1486Thr (NM_001129827.2, NM_199460.4); c.4379G>C, p.Ser1460Thr (NM_001129829.2); c.4313G>C, p.Ser1438Thr (NM_001129830.3, NM_001129833.2, NM_001129834.2 and 7 more transcripts); c.4397G>C, p.Ser1466Thr (NM_001129831.2); c.4373G>C, p.Ser1458Thr (NM_001129832.2); c.4364G>C, p.Ser1455Thr (NM_001129836.2); c.4280G>C, p.Ser1427Thr (NM_001129837.2, NM_001129838.2, NM_001129846.2 and 1 more transcripts); c.4274G>C, p.Ser1425Thr (NM_001129839.2); and 1 more; short protein forms S1425T, S1458T, S1486T, S1455T, S1466T, S1438T, S1427T, S1435T.
Identifiers: ClinVar variation 2896588 (VCV002896588.3), dbSNP rs1483607521, ClinGen allele CA383375879.

ClinVar aggregate classification (germline): Uncertain significance (1 of 4 stars; one submission).

Conditions:
Long QT syndrome (LQTS). Identifiers: MedGen C0023976, MeSH D008133, MONDO:0002442. Disease mechanism: loss of function. Inheritance: Various modes of inheritance.

Allele frequency attached by ClinVar (database versions not stated): TOPMed below 0.00001.

Submission:

Labcorp Genetics (formerly Invitae), Labcorp
Classification: Uncertain significance for Long QT syndrome. Last evaluated: 2024-04-29. Review status: criteria provided, single submitter. Criteria: Invitae Variant Classification Sherloc (09022015). Collection method: clinical testing. Allele origin: germline.
Comment: This sequence change replaces serine, which is neutral and polar, with threonine, which is neutral and polar, at codon 1438 of the CACNA1C protein (p.Ser1438Thr). This variant is not present in population databases (gnomAD no frequency). This variant has not been reported in the literature in individuals affected with CACNA1C-related conditions. Advanced modeling of protein sequence and biophysical properties (such as structural, functional, and spatial information, amino acid conservation, physicochemical variation, residue mobility, and thermodynamic stability) performed at Invitae indicates that this missense variant is not expected to disrupt CACNA1C protein function with a negative predictive value of 95%. In summary, the available evidence is currently insufficient to determine the role of this variant in disease. Therefore, it has been classified as a Variant of Uncertain Significance.